The following is an entry in ClinVar:

NM_001042492.3(NF1):c.6937A>G (p.Lys2313Glu)

Gene: NF1 (neurofibromin 1; plus strand). Cytogenetic location: 17q11.2.
Variant type: single nucleotide variant.
Coding change: c.6937A>G on transcript NM_001042492.3 (MANE Select); coding-DNA position 6937, A replaced by G.
Protein change: p.Lys2313Glu; replaces lysine 2313 with glutamic acid.
Molecular consequence: missense variant.
Genome position (GRCh38, 1-based): chr17:31,340,520, A>G. VCF-style: chr17-31340520-A-G. GRCh37 (hg19) VCF-style: chr17-29667538-A-G.
Other names: c.6874A>G, p.Lys2292Glu (NM_000267.4); short protein forms K2292E, K2313E.
Identifiers: ClinVar variation 4018147 (VCV004018147.1).

ClinVar aggregate classification (germline): Uncertain significance (1 of 4 stars; one submission).

Conditions:
Cardiovascular phenotype. Identifiers: MedGen CN230736.
Hereditary cancer-predisposing syndrome. Also called: Tumor predisposition; Hereditary neoplastic syndrome; Neoplastic Syndromes, Hereditary; Hereditary Cancer Syndrome. Identifiers: Orphanet 140162, MedGen C0027672, MeSH D009386, MONDO:0015356.

gnomAD v4.1: 1 of 1,614,204 alleles (0.000062%); highest among the groups gnomAD compares: East Asian, 0.0022%; no homozygotes.

Submission:

Ambry Genetics
Classification: Uncertain significance for Cardiovascular phenotype; Hereditary cancer-predisposing syndrome. Last evaluated: 2025-04-04. Review status: criteria provided, single submitter. Criteria: Ambry Variant Classification Scheme 2023. Collection method: clinical testing. Allele origin: germline.
Comment: The p.K2292E variant (also known as c.6874A>G), located in coding exon 46 of the NF1 gene, results from an A to G substitution at nucleotide position 6874. The lysine at codon 2292 is replaced by glutamic acid, an amino acid with similar properties. This amino acid position is conserved. In addition, this alteration is predicted to be tolerated by in silico analysis. Based on the available evidence, the clinical significance of this variant remains unclear.